The following is an entry in ClinVar:

NM_000275.3(OCA2):c.1538dup (p.Ile514fs)

Gene: OCA2 (OCA2 melanosomal transmembrane protein; minus strand). Cytogenetic location: 15q13.1.
Variant type: Duplication.
Coding change: c.1538dup on transcript NM_000275.3 (MANE Select); coding-DNA position 1538, one base duplicated (T; older notation c.1538dupT).
Protein change: p.Ile514fs; shifts the reading frame from isoleucine 514.
Molecular consequence: frameshift variant.
Genome position (GRCh38, 1-based): chr15:27,966,788, A duplicated on the plus strand (T on the coding strand, the reverse complement: OCA2 is on the minus strand); the first of 2 consecutive A bases (chr15:27,966,788-27,966,789); duplicating either gives the same sequence. VCF-style (leftmost placement, unchanged base first): chr15-27966787-G-GA. GRCh37 (hg19) VCF-style: chr15-28211933-G-GA.
Other names: c.1466dup, p.Ile490fs (NM_001300984.2); short protein forms I514fs, I490fs.
Identifiers: ClinVar variation 2765344 (VCV002765344.4), dbSNP rs1567168441, ClinGen allele CA919520201.

ClinVar aggregate classification (germline): Pathogenic. Review status: criteria provided, multiple submitters, no conflicts (2 of 4 stars). 2 submissions from 2 submitters: Pathogenic (2). Last evaluated 2025-07-13.

Conditions:
Tyrosinase-positive oculocutaneous albinism (OCA2). Also called: ALBINISM II; Albinism, oculocutaneous, type II; Oculocutaneous albinism type 2. Identifiers: Orphanet 79432, MedGen C0268495, MONDO:0008746, OMIM 203200.

Submissions (2):

Labcorp Genetics (formerly Invitae), Labcorp
Classification: Pathogenic. Last evaluated: 2025-07-13. Review status: criteria provided, single submitter. Criteria: Invitae Variant Classification Sherloc (09022015). Collection method: clinical testing. Allele origin: germline.
Comment: This sequence change creates a premature translational stop signal (p.Ile514Hisfs*25) in the OCA2 gene. It is expected to result in an absent or disrupted protein product. Loss-of-function variants in OCA2 are known to be pathogenic (PMID: 19865097, 21541274). This variant is not present in population databases (gnomAD no frequency). This variant has not been reported in the literature in individuals affected with OCA2-related conditions. ClinVar contains an entry for this variant (Variation ID: 2765344). For these reasons, this variant has been classified as Pathogenic.

Myriad Genetics, Inc.
Classification: Pathogenic for Tyrosinase-positive oculocutaneous albinism. Last evaluated: 2025-07-05. Review status: criteria provided, single submitter. Criteria: Myriad Autosomal Dominant, Autosomal Recessive and X-Linked Classification Criteria (2023). Collection method: clinical testing. Allele origin: unknown.
Comment: NM_000275.2(OCA2):c.1538dupT(I514Hfs*25) is expected to be pathogenic in the context of oculocutaneous albinism, OCA2-related. This variant is predicted to lead to an abnormal or absent protein product due to the creation of a premature termination codon in OCA2, a gene where loss-of-function variants are known to be pathogenic. Please note: this variant was assessed in the context of healthy population screening.

Literature cited by the submitters: PubMed 19865097 (cited by Labcorp Genetics (formerly Invitae), Labcorp); PubMed 21541274 (cited by Labcorp Genetics (formerly Invitae), Labcorp).